The following is an entry in ClinVar:

NM_031885.5(BBS2):c.1192G>A (p.Ala398Thr)

Gene: BBS2 (Bardet-Biedl syndrome 2; minus strand). Cytogenetic location: 16q13.
Variant type: single nucleotide variant.
Coding change: c.1192G>A on transcript NM_031885.5 (MANE Select); coding-DNA position 1192, G replaced by A.
Protein change: p.Ala398Thr; replaces alanine 398 with threonine.
Molecular consequence: missense variant. On other transcripts: non-coding transcript variant (5).
Genome position (GRCh38, 1-based): chr16:56,501,386, C>T on the plus strand (G>A on the coding strand, the complement: BBS2 is on the minus strand). VCF-style: chr16-56501386-C-T. GRCh37 (hg19) VCF-style: chr16-56535298-C-T.
Other names: c.1192G>A, p.Ala398Thr (NM_001377456.1); short protein forms A398T.
Identifiers: ClinVar variation 4977096 (VCV004977096.1).

ClinVar aggregate classification (germline): Uncertain significance (1 of 4 stars; one submission).

Conditions:
BBS2-related disorder. Also called: BBS2-related condition; BBS2-related disorders. Identifiers: MedGen CN239228.

gnomAD v4.1: 2 of 1,614,008 alleles (0.00012%); highest among the groups gnomAD compares: Admixed American, 0.0033%; no homozygotes.

Submission:

PreventionGenetics, part of Exact Sciences
Classification: Uncertain significance for BBS2-related condition. Last evaluated: 2026-05-22. Review status: criteria provided, single submitter. Criteria: ACMG Guidelines, 2015. Collection method: clinical testing. Allele origin: germline.
Comment: The BBS2 c.1192G>A variant is predicted to result in the amino acid substitution p.Ala398Thr. To our knowledge, this variant has not been reported in the literature. This variant is reported in 0.0058% of alleles in individuals of Latino descent in gnomAD. At this time, the clinical significance of this variant is uncertain due to the absence of conclusive functional and genetic evidence.